The following is an entry in ClinVar:

ClinVar aggregate classification (germline): Uncertain significance (1 of 4 stars; one submission).

gnomAD v4.1: 1 of 1,607,642 alleles (0.000062%); highest among the groups gnomAD compares: Non-Finnish European, 0.000085%; no homozygotes.

Submission:

Labcorp Genetics (formerly Invitae), Labcorp
Classification: Uncertain significance. Last evaluated: 2025-12-15. Review status: criteria provided, single submitter. Criteria: Invitae Variant Classification Sherloc (09022015). Collection method: clinical testing. Allele origin: germline.
Comment: This sequence change replaces serine, which is neutral and polar, with glycine, which is neutral and non-polar, at codon 756 of the PLK4 protein (p.Ser756Gly). This variant is not present in population databases (gnomAD no frequency). This variant has not been reported in the literature in individuals affected with PLK4-related conditions. An algorithm developed to predict the effect of missense changes on protein structure and function (PolyPhen-2) suggests that this variant is likely to be tolerated. In summary, the available evidence is currently insufficient to determine the role of this variant in disease. Therefore, it has been classified as a Variant of Uncertain Significance.

NM_014264.5(PLK4):c.2266A>G (p.Ser756Gly)

Gene: PLK4 (polo like kinase 4; plus strand). Cytogenetic location: 4q28.1.
Variant type: single nucleotide variant.
Coding change: c.2266A>G on transcript NM_014264.5 (MANE Select); coding-DNA position 2266, A replaced by G.
Protein change: p.Ser756Gly; replaces serine 756 with glycine.
Molecular consequence: missense variant.
Genome position (GRCh38, 1-based): chr4:127,893,362, A>G. VCF-style: chr4-127893362-A-G. GRCh37 (hg19) VCF-style: chr4-128814517-A-G.
Other names: c.2170A>G, p.Ser724Gly (NM_001190799.2); c.2143A>G, p.Ser715Gly (NM_001190801.2); c.2269A>G, p.Ser757Gly (NM_001441357.1); c.2167A>G, p.Ser723Gly (NM_001441358.1); c.2164A>G, p.Ser722Gly (NM_001441359.1); c.2125A>G, p.Ser709Gly (NM_001441360.1); c.2068A>G, p.Ser690Gly (NM_001441361.1); c.2047A>G, p.Ser683Gly (NM_001441362.1); and 5 more; short protein forms S549G, S675G, S690G, S649G, S681G, S709G, S715G, S666G.
Identifiers: ClinVar variation 4728665 (VCV004728665.1).